The following is an entry in ClinVar:

NM_002890.3(RASA1):c.2383A>G (p.Ser795Gly)

Genes: CCNH (cyclin H; minus strand), RASA1 (RAS p21 protein activator 1; plus strand). Cytogenetic location: 5q14.3.
Variant type: single nucleotide variant.
Coding change: c.2383A>G on transcript NM_002890.3 (MANE Select); coding-DNA position 2383, A replaced by G.
Protein change: p.Ser795Gly; replaces serine 795 with glycine.
Molecular consequence: missense variant. On other transcripts: intron variant (1).
Genome position (GRCh38, 1-based): chr5:87,378,434, A>G. VCF-style: chr5-87378434-A-G. GRCh37 (hg19) VCF-style: chr5-86674251-A-G.
Other names: c.1852A>G, p.Ser618Gly (NM_022650.3); c.933+16610T>C (NM_001364075.2); short protein forms S618G, S795G.
Identifiers: ClinVar variation 3606012 (VCV003606012.2).
Genomic context (GRCh38, chr5:87,378,434, plus strand): 5'-TCTAATGTAAATATTTGTGTAGATGAAGCCACTACCCTATTTCGAGCCACAACACTTGCA[A>G]GCACCTTGATGGAGCAGTATATGAAAGCCACTGCTACACAGTTTGTTCATCATGCTTTGA-3'
Protein context (NP_002881.1, residues 785-805): TTLFRATTLA[Ser795Gly]TLMEQYMKAT

ClinVar aggregate classification (germline): Uncertain significance (1 of 4 stars; one submission).

Conditions:
Capillary malformation-arteriovenous malformation syndrome. Also called: Capillary malformation-arteriovenous malformation. Identifiers: Orphanet 137667, MedGen C1842180, MONDO:0012016.

Submission:

Labcorp Genetics (formerly Invitae), Labcorp
Classification: Uncertain significance for Capillary malformation-arteriovenous malformation syndrome. Last evaluated: 2025-01-30. Review status: criteria provided, single submitter. Criteria: Invitae Variant Classification Sherloc (09022015). Collection method: clinical testing. Allele origin: germline.
Comment: This sequence change replaces serine, which is neutral and polar, with glycine, which is neutral and non-polar, at codon 795 of the RASA1 protein (p.Ser795Gly). This variant is not present in population databases (gnomAD no frequency). This variant has not been reported in the literature in individuals affected with RASA1-related conditions. An algorithm developed to predict the effect of missense changes on protein structure and function (PolyPhen-2) suggests that this variant is likely to be disruptive. In summary, the available evidence is currently insufficient to determine the role of this variant in disease. Therefore, it has been classified as a Variant of Uncertain Significance.